The following is an entry in ClinVar:

ClinVar aggregate classification (germline): Uncertain significance. Review status: criteria provided, multiple submitters, no conflicts (2 of 4 stars). 2 submissions from 2 submitters: Uncertain significance (2). Last evaluated 2025-08-11.

Allele frequency attached by ClinVar (database versions not stated): gnomAD exomes 0.00001 and below 0.00001; TOPMed 0.00003; ExAC 0.00001; ESP Exome Variant Server 0.00008; gnomAD 0.00003.
gnomAD v4.1: 23 of 1,611,310 alleles (0.0014%); highest among the groups gnomAD compares: African/African-American, 0.0093%; no homozygotes.

Submissions (2):

GeneDx
Classification: Uncertain significance. Last evaluated: 2025-08-11. Review status: criteria provided, single submitter. Criteria: GeneDx Variant Classification Process June 2021. Collection method: clinical testing. Allele origin: germline. Affected: yes.
Comment: Not observed at significant frequency in large population cohorts (gnomAD); In silico analysis suggests that this missense variant does not alter protein structure/function; Has not been previously published as pathogenic or benign to our knowledge

Labcorp Genetics (formerly Invitae), Labcorp
Classification: Uncertain significance. Last evaluated: 2021-08-27. Review status: criteria provided, single submitter. Criteria: Invitae Variant Classification Sherloc (09022015). Collection method: clinical testing. Allele origin: germline.
Comment: This sequence change replaces serine with leucine at codon 782 of the WHRN protein (p.Ser782Leu). The serine residue is weakly conserved and there is a large physicochemical difference between serine and leucine. This variant is present in population databases (rs372472927, ExAC 0.01%). This variant has not been reported in the literature in individuals affected with WHRN-related conditions. Algorithms developed to predict the effect of missense changes on protein structure and function (SIFT, PolyPhen-2, Align-GVGD) all suggest that this variant is likely to be tolerated. In summary, the available evidence is currently insufficient to determine the role of this variant in disease. Therefore, it has been classified as a Variant of Uncertain Significance.

NM_015404.4(WHRN):c.2345C>T (p.Ser782Leu)

Gene: WHRN (whirlin; minus strand). Cytogenetic location: 9q32.
Variant type: single nucleotide variant.
Coding change: c.2345C>T on transcript NM_015404.4 (MANE Select); coding-DNA position 2345, C replaced by T.
Protein change: p.Ser782Leu; replaces serine 782 with leucine.
Molecular consequence: missense variant.
Genome position (GRCh38, 1-based): chr9:114,403,969, G>A on the plus strand (C>T on the coding strand, the complement: WHRN is on the minus strand). VCF-style: chr9-114403969-G-A. GRCh37 (hg19) VCF-style: chr9-117166249-G-A.
Other names: c.2345C>T (NM_015404.2); c.1196C>T, p.Ser399Leu (NM_001083885.3); c.2342C>T, p.Ser781Leu (NM_001173425.2); c.1292C>T, p.Ser431Leu (NM_001346890.1); short protein forms S431L, S782L, S399L, S781L.
Identifiers: ClinVar variation 1478073 (VCV001478073.6), dbSNP rs372472927, ClinGen allele CA5205664.